The following is an entry in ClinVar:

NM_003119.4(SPG7):c.2102A>C (p.His701Pro)

Gene: SPG7 (SPG7 matrix AAA peptidase subunit, paraplegin; plus strand). Cytogenetic location: 16q24.3.
Variant type: single nucleotide variant.
Coding change: c.2102A>C on transcript NM_003119.4 (MANE Select); coding-DNA position 2102, A replaced by C.
Protein change: p.His701Pro; replaces histidine 701 with proline.
Molecular consequence: missense variant.
Genome position (GRCh38, 1-based): chr16:89,553,959, A>C. VCF-style: chr16-89553959-A-C. GRCh37 (hg19) VCF-style: chr16-89620367-A-C.
Other names: c.2102A>C (NM_003119.3, NM_003119.2); c.2102A>C, p.His701Pro (NM_001363850.1); short protein forms H701P.
Identifiers: ClinVar variation 1705591 (VCV001705591.8), dbSNP rs372180825, ClinGen allele CA8244523.
Genomic context (GRCh38, chr16:89,553,959, plus strand): 5'-AGGGCCTCATGGGCATCGGGCGGCGCCCCTTCAGCCAAGGCCTGCAGCAGATGATGGACC[A>C]TGTGAGTCGGCTCTGGCCACACCGCTGCCCTCTGTGCTCCCCGGGGAGGGAGTCCCTGGG-3'
Protein context (NP_003110.1, residues 691-711): FSQGLQQMMD[His701Pro]EARLLVAKAY

ClinVar aggregate classification (germline): Pathogenic/Likely pathogenic. Review status: criteria provided, multiple submitters, no conflicts (2 of 4 stars). 4 submissions from 4 submitters: Pathogenic (2); Likely pathogenic (1). 1 of the submissions does not count toward it. Last evaluated 2024-01-09.

Conditions:
Hereditary spastic paraplegia 7 (SPG7). Also called: Spastic paraplegia 7; SPASTIC PARAPLEGIA 7, AUTOSOMAL RECESSIVE, WITH OR WITHOUT CEREBELLAR ATAXIA; SPG7-related neurologic disorder; Hereditary spastic paraplegia Paraplegin type; Autosomal recessive spastic paraplegia type 7. Identifiers: Orphanet 99013, MedGen C1846564, MONDO:0011803, OMIM 607259.

Allele frequency attached by ClinVar (database versions not stated): ExAC 0.00003.
gnomAD v4.1: 16 of 1,610,776 alleles (0.00099%); highest among the groups gnomAD compares: Non-Finnish European, 0.0012%; no homozygotes.

Submissions (4):

Athena Diagnostics
Classification: Pathogenic. Last evaluated: 2024-01-09. Review status: criteria provided, single submitter. Criteria: Athena Diagnostics Criteria. Collection method: clinical testing. Allele origin: unknown.
Comment: The frequency of this variant in the general population is consistent with pathogenicity. This variant associates with disease in multiple families. In multiple individuals, this variant has been seen with a single recessive pathogenic variant in the same gene, suggesting this variant may also be pathogenic. Computational tools predict that this variant is not damaging.

Labcorp Genetics (formerly Invitae), Labcorp
Classification: Pathogenic for Hereditary spastic paraplegia 7. Last evaluated: 2023-09-08. Review status: criteria provided, single submitter. Criteria: Invitae Variant Classification Sherloc (09022015). Collection method: clinical testing. Allele origin: germline.
Comment: For these reasons, this variant has been classified as Pathogenic. An algorithm developed to predict the effect of missense changes on protein structure and function (PolyPhen-2) suggests that this variant is likely to be disruptive. ClinVar contains an entry for this variant (Variation ID: 1705591). This missense change has been observed in individual(s) with hereditary spastic paraplegia (PMID: 24466038, 26756429, 28362824). In at least one individual the data is consistent with being in trans (on the opposite chromosome) from a pathogenic variant. It has also been observed to segregate with disease in related individuals. This variant is present in population databases (rs372180825, gnomAD 0.01%). This sequence change replaces histidine, which is basic and polar, with proline, which is neutral and non-polar, at codon 701 of the SPG7 protein (p.His701Pro).

3billion
Classification: Likely pathogenic for Hereditary spastic paraplegia 7. Last evaluated: 2022-09-01. Review status: criteria provided, single submitter. Criteria: ACMG Guidelines, 2015. Collection method: clinical testing. Allele origin: germline. Affected: yes. Observed: 1 heterozygote.
Comment: The variant is observed at an extremely low frequency in the gnomAD v2.1.1 dataset (total allele frequency: 0.003%). In silico tool predictions suggest damaging effect of the variant on gene or gene product (REVEL: 0.59; 3Cnet: 0.96). Same nucleotide change resulting in same amino acid change has been previously reported to be associated with SPG7-related disorder (PMID: 26756429). The variant has been reported to be in trans with a pathogenic variant as either compound heterozygous or homozygous in at least one similarly affected unrelated individual (PMID: 28362824 , 30098094). Therefore, this variant is classified as Likely pathogenic according to the recommendation of ACMG/AMP guideline.

GeneReviews
No classification provided. Condition: Hereditary spastic paraplegia 7. Review status: no classification provided. Collection method: literature only. Allele origin: germline. Not counted in ClinVar's aggregate classification.

Literature cited by the submitters: PubMed 26756429 (cited by 3 submitters); PubMed 28362824 (cited by 3 submitters); PubMed 30098094 (cited by Athena Diagnostics and 3billion); PubMed 24466038 (cited by Athena Diagnostics and Labcorp Genetics (formerly Invitae), Labcorp).